The following is an entry in ClinVar:

ClinVar aggregate classification (germline): Uncertain significance (1 of 4 stars; one submission).

Conditions:
Cardiovascular phenotype. Identifiers: MedGen CN230736.

Allele frequency attached by ClinVar (database versions not stated): ExAC 0.00001.

Submission:

Ambry Genetics
Classification: Uncertain significance for Cardiovascular phenotype. Last evaluated: 2023-02-13. Review status: criteria provided, single submitter. Criteria: Ambry Variant Classification Scheme 2023. Collection method: clinical testing. Allele origin: germline.
Comment: The p.T2371A variant (also known as c.7111A>G), located in coding exon 46 of the RYR2 gene, results from an A to G substitution at nucleotide position 7111. The threonine at codon 2371 is replaced by alanine, an amino acid with similar properties. This amino acid position is well conserved in available vertebrate species. In addition, the in silico prediction for this alteration is inconclusive. Since supporting evidence is limited at this time, the clinical significance of this alteration remains unclear.

NM_001035.3(RYR2):c.7111A>G (p.Thr2371Ala)

Gene: RYR2 (ryanodine receptor 2; plus strand). Cytogenetic location: 1q43.
Variant type: single nucleotide variant.
Coding change: c.7111A>G on transcript NM_001035.3 (MANE Select); coding-DNA position 7111, A replaced by G.
Protein change: p.Thr2371Ala; replaces threonine 2371 with alanine.
Molecular consequence: missense variant.
Genome position (GRCh38, 1-based): chr1:237,639,197, A>G. VCF-style: chr1-237639197-A-G. GRCh37 (hg19) VCF-style: chr1-237802497-A-G.
Other names: short protein forms T2371A.
Identifiers: ClinVar variation 2454022 (VCV002454022.2), dbSNP rs750102784, ClinGen allele CA087284.